The following is an entry in ClinVar:

ClinVar aggregate classification (germline): Uncertain significance. Review status: criteria provided, multiple submitters, no conflicts (2 of 4 stars). 2 submissions from 2 submitters: Uncertain significance (2). Last evaluated 2024-10-07.

Conditions:
Inborn genetic diseases. Identifiers: MedGen C0950123, MeSH D030342.

Allele frequency attached by ClinVar (database versions not stated): gnomAD exomes 0.00002 and 0.00003; ExAC 0.00004; ESP Exome Variant Server 0.00008; gnomAD 0.00019 and 0.00021; TOPMed 0.00026; 1000 Genomes Project 0.00040; 1000 Genomes Project 30x 0.00047.
gnomAD v4.1: 75 of 1,614,054 alleles (0.0046%); highest among the groups gnomAD compares: African/African-American, 0.06%; 1 homozygote.

Submissions (2):

Ambry Genetics
Classification: Uncertain significance for Inborn genetic diseases. Last evaluated: 2024-10-07. Review status: criteria provided, single submitter. Criteria: Ambry Variant Classification Scheme 2023. Collection method: clinical testing. Allele origin: germline.

Labcorp Genetics (formerly Invitae), Labcorp
Classification: Uncertain significance. Last evaluated: 2021-09-24. Review status: criteria provided, single submitter. Criteria: Invitae Variant Classification Sherloc (09022015). Collection method: clinical testing. Allele origin: germline.
Comment: This sequence change replaces isoleucine with valine at codon 577 of the DLL3 protein (p.Ile577Val). The isoleucine residue is highly conserved and there is a small physicochemical difference between isoleucine and valine. This variant is present in population databases (rs144011919, ExAC 0.05%). This variant has not been reported in the literature in individuals affected with DLL3-related conditions. Algorithms developed to predict the effect of missense changes on protein structure and function output the following: SIFT: "Tolerated"; PolyPhen-2: "Possibly Damaging"; Align-GVGD: "Class C0". The valine amino acid residue is found in multiple mammalian species, which suggests that this missense change does not adversely affect protein function. In summary, the available evidence is currently insufficient to determine the role of this variant in disease. Therefore, it has been classified as a Variant of Uncertain Significance.

NM_203486.3(DLL3):c.1729A>G (p.Ile577Val)

Gene: DLL3 (delta like canonical Notch ligand 3; plus strand). Cytogenetic location: 19q13.2.
Variant type: single nucleotide variant.
Coding change: c.1729A>G on transcript NM_203486.3 (MANE Select); coding-DNA position 1729, A replaced by G.
Protein change: p.Ile577Val; replaces isoleucine 577 with valine.
Molecular consequence: missense variant.
Genome position (GRCh38, 1-based): chr19:39,507,885, A>G. VCF-style: chr19-39507885-A-G. GRCh37 (hg19) VCF-style: chr19-39998525-A-G.
Other names: c.1729A>G, p.Ile577Val (NM_016941.4); c.1729A>G (NM_016941.3); short protein forms I577V.
Identifiers: ClinVar variation 1416450 (VCV001416450.7), dbSNP rs144011919, ClinGen allele CA9432513.
Genomic context (GRCh38, chr19:39,507,885, plus strand): 5'-CACAGCTCGTCCGTAGATTGGAATCGCCCTGAAGATGTAGACCCTCAAGGGATTTATGTC[A>G]TATCTGCTCCTTCCATCTACGCTCGGGAGGTAGCGACGCCCCTTTTCCCCCCGCTACACA-3'
Protein context (NP_982353.1, residues 567-587): EDVDPQGIYV[Ile577Val]SAPSIYAREA